The following is an entry in ClinVar:

NM_015338.6(ASXL1):c.1162G>C (p.Val388Leu)

Gene: ASXL1 (ASXL transcriptional regulator 1; plus strand). Cytogenetic location: 20q11.21.
Variant type: single nucleotide variant.
Coding change: c.1162G>C on transcript NM_015338.6 (MANE Select); coding-DNA position 1162, G replaced by C.
Protein change: p.Val388Leu; replaces valine 388 with leucine.
Molecular consequence: missense variant.
Genome position (GRCh38, 1-based): chr20:32,433,360, G>C. VCF-style: chr20-32433360-G-C. GRCh37 (hg19) VCF-style: chr20-31021163-G-C.
Other names: c.979G>C, p.Val327Leu (NM_001363734.1); short protein forms V327L, V388L.
Identifiers: ClinVar variation 3686793 (VCV003686793.2).

ClinVar aggregate classification (germline): Uncertain significance (1 of 4 stars; one submission).

gnomAD v4.1: 23 of 1,614,184 alleles (0.0014%); highest among the groups gnomAD compares: Non-Finnish European, 0.0019%; no homozygotes.

Submission:

Labcorp Genetics (formerly Invitae), Labcorp
Classification: Uncertain significance. Last evaluated: 2024-12-30. Review status: criteria provided, single submitter. Criteria: Invitae Variant Classification Sherloc (09022015). Collection method: clinical testing. Allele origin: germline.
Comment: This sequence change replaces valine, which is neutral and non-polar, with leucine, which is neutral and non-polar, at codon 388 of the ASXL1 protein (p.Val388Leu). This variant is present in population databases (no rsID available, gnomAD 0.0009%). This variant has not been reported in the literature in individuals affected with ASXL1-related conditions. An algorithm developed to predict the effect of missense changes on protein structure and function (PolyPhen-2) suggests that this variant is likely to be tolerated. In summary, the available evidence is currently insufficient to determine the role of this variant in disease. Therefore, it has been classified as a Variant of Uncertain Significance.